The following is an entry in ClinVar:

NM_181458.4(PAX3):c.959-1G>C

Genes: PAX3 (paired box 3; minus strand), LOC126806529 (CDK7 strongly-dependent group 2 enhancer GRCh37_chr2:223084735-223085934; plus strand). Cytogenetic location: 2q36.1.
Variant type: single nucleotide variant.
Coding change: c.959-1G>C on transcript NM_181458.4 (MANE Select); the canonical splice acceptor site of the intron before coding-DNA position 959, G replaced by C.
Molecular consequence: splice acceptor variant.
Genome position (GRCh38, 1-based): chr2:222,220,355, C>G on the plus strand (G>C on the coding strand, the complement: PAX3 is on the minus strand). VCF-style: chr2-222220355-C-G. GRCh37 (hg19) VCF-style: chr2-223085074-C-G.
Other names: c.956-1G>C (NM_001127366.3); c.959-1G>C (NM_181460.4, NM_181461.4, NM_181459.4 and 1 more transcripts).
Identifiers: ClinVar variation 4983864 (VCV004983864.1).
Genomic context (GRCh38, chr2:222,220,355, plus strand): 5'-GTACAGTGCTTGGAGGAAGCGGTTGAGGTCTGTGAACGGTGCTGCTGGGATCTGACACAG[C>G]TGAAATGAAAAAGATTGTCAACCATCATGTTTTCTTTTAGGCCAGCAGAGAAAGTTCAGT-3'

ClinVar aggregate classification (germline): Likely pathogenic (1 of 4 stars; one submission).

Conditions:
PAX3-related disorder. Also called: PAX3-related condition.

gnomAD v4.1: 4 of 1,613,642 alleles (0.00025%); highest among the groups gnomAD compares: African/African-American, 0.0027%; no homozygotes.

Submission:

PreventionGenetics, part of Exact Sciences
Classification: Likely pathogenic for PAX3-related condition. Last evaluated: 2026-06-29. Review status: criteria provided, single submitter. Criteria: ACMG Guidelines, 2015. Collection method: clinical testing. Allele origin: germline.
Comment: The PAX3 c.959-1G>C variant is predicted to disrupt the AG splice acceptor site and interfere with normal splicing. To our knowledge, this variant has not been reported in the literature. A nearby variant that affects this same splice site (c.959-5T>G) has been reported as segregating with disease in a kindred with Waardenburg syndrome type 1 without hearing loss (Hu et al. 2021. PubMed ID: 33747040). This c.959-1G>C variant is reported in 0.011% of alleles in individuals of African descent in gnomAD. Variants that disrupt the consensus splice acceptor site in PAX3 are expected to be pathogenic. Given the evidence, we interpret this variant as likely pathogenic.